The following is an entry in ClinVar:

NM_001481.3(DRC4):c.715G>A (p.Asp239Asn)

Gene: DRC4 (dynein regulatory complex subunit 4; plus strand). Cytogenetic location: 16q24.3.
Variant type: single nucleotide variant.
Coding change: c.715G>A on transcript NM_001481.3 (MANE Select); coding-DNA position 715, G replaced by A.
Protein change: p.Asp239Asn; replaces aspartic acid 239 with asparagine.
Molecular consequence: missense variant.
Genome position (GRCh38, 1-based): chr16:90,036,545, G>A. VCF-style: chr16-90036545-G-A. GRCh37 (hg19) VCF-style: chr16-90102953-G-A.
Other names: c.466G>A, p.Asp156Asn (NM_001286205.2); c.139G>A, p.Asp47Asn (NM_001286208.2); c.640G>A, p.Asp214Asn (NM_001286209.2); short protein forms D239N, D156N, D214N, D47N.
Identifiers: ClinVar variation 1925588 (VCV001925588.3), dbSNP rs763326068, ClinGen allele CA8257930.
Genomic context (GRCh38, chr16:90,036,545, plus strand): 5'-ATCCACACGCTGATGCAGCGCCACGAGGAGGCCTTCACCGACATTAAGAACTACTACAAC[G>A]ACATCACCCTCAACAACCTGGCCCTCATCAACTCCCTCAAGGTGCTGTGCGTGGGCTGGG-3'
Protein context (NP_001472.1, residues 229-249): AFTDIKNYYN[Asp239Asn]ITLNNLALIN

ClinVar aggregate classification (germline): Uncertain significance (1 of 4 stars; one submission).

Conditions:
Primary ciliary dyskinesia 33. Also called: CILIARY DYSKINESIA, PRIMARY, 33, WITHOUT SITUS INVERSUS. Identifiers: Orphanet 244, MedGen C4225230, MONDO:0014750, OMIM 616726.

gnomAD v4.1: 7 of 1,602,918 alleles (0.00044%); highest among the groups gnomAD compares: African/African-American, 0.0027%; no homozygotes.

Submission:

Labcorp Genetics (formerly Invitae), Labcorp
Classification: Uncertain significance for Primary ciliary dyskinesia 33. Last evaluated: 2022-08-19. Review status: criteria provided, single submitter. Criteria: Invitae Variant Classification Sherloc (09022015). Collection method: clinical testing. Allele origin: germline.
Comment: This sequence change replaces aspartic acid, which is acidic and polar, with asparagine, which is neutral and polar, at codon 239 of the GAS8 protein (p.Asp239Asn). The frequency data for this variant in the population databases is considered unreliable, as metrics indicate poor data quality at this position in the gnomAD database. In summary, the available evidence is currently insufficient to determine the role of this variant in disease. Therefore, it has been classified as a Variant of Uncertain Significance. Algorithms developed to predict the effect of missense changes on protein structure and function are either unavailable or do not agree on the potential impact of this missense change (SIFT: "Tolerated"; PolyPhen-2: "Possibly Damaging"; Align-GVGD: "Class C0"). This variant has not been reported in the literature in individuals affected with GAS8-related conditions.